The following is an entry in ClinVar:

NM_014633.5(CTR9):c.1429T>G (p.Ser477Ala)

Genes: CTR9 (CTR9 homolog, Paf1/RNA polymerase II complex component; plus strand), LOC126861140 (CDK7 strongly-dependent group 2 enhancer GRCh37_chr11:10785333-10786532; plus strand). Cytogenetic location: 11p15.4.
Variant type: single nucleotide variant.
Coding change: c.1429T>G on transcript NM_014633.5 (MANE Select); coding-DNA position 1429, T replaced by G.
Protein change: p.Ser477Ala; replaces serine 477 with alanine.
Molecular consequence: missense variant.
Genome position (GRCh38, 1-based): chr11:10,764,563, T>G. VCF-style: chr11-10764563-T-G. GRCh37 (hg19) VCF-style: chr11-10786110-T-G.
Other names: c.1429T>G, p.Ser477Ala (NM_001346279.2); short protein forms S477A.
Identifiers: ClinVar variation 3902968 (VCV003902968.1).

ClinVar aggregate classification (germline): Uncertain significance (1 of 4 stars; one submission).

Submission:

GeneDx
Classification: Uncertain significance. Last evaluated: 2024-12-11. Review status: criteria provided, single submitter. Criteria: GeneDx Variant Classification Process June 2021. Collection method: clinical testing. Allele origin: germline. Affected: yes.
Comment: Not observed at significant frequency in large population cohorts (gnomAD); In silico analysis indicates that this missense variant does not alter protein structure/function; Has not been previously published as pathogenic or benign to our knowledge